The following is an entry in ClinVar:

ClinVar aggregate classification (germline): Benign. Review status: reviewed by expert panel (3 of 4 stars). 15 submissions from 15 submitters: Benign (1). 14 of the submissions do not count toward it. Last evaluated 2025-01-08.

Conditions:
Autosomal recessive limb-girdle muscular dystrophy. Identifiers: Orphanet 102015, MedGen C2931907, MONDO:0015152.
Neuromuscular disease caused by qualitative or quantitative defects of dysferlin. Also called: Qualitative or quantitative defects of dysferlin; Dysferlinopathy. Identifiers: Orphanet 207073, MedGen C2931687, MONDO:0016145.
Autosomal recessive limb-girdle muscular dystrophy type 2B (LGMDR2). Also called: MUSCULAR DYSTROPHY, LIMB-GIRDLE, TYPE 3; Limb-Girdle Muscular Dystrophy Type 2B (LGMD2B); MUSCULAR DYSTROPHY, LIMB-GIRDLE, AUTOSOMAL RECESSIVE 2; Limb-girdle muscular dystrophy, type 2B. Identifiers: Orphanet 268, MedGen C1850889, MONDO:0009676, OMIM 253601.

Allele frequency attached by ClinVar (database versions not stated): 1000 Genomes Project 30x 0.00750; ESP Exome Variant Server 0.01753; 1000 Genomes Project 0.00819; gnomAD exomes 0.01706 and 0.02026; gnomAD 0.01748 and 0.01716; TOPMed 0.01577; ExAC 0.01701.
gnomAD v4.1: 32,136 of 1,613,910 alleles (2%); highest among the groups gnomAD compares: Non-Finnish European, 2.3%; 402 homozygotes.

Submissions (15):

ClinGen Limb Girdle Muscular Dystrophy Variant Curation Expert Panel, ClinGen
Classification: Benign for Autosomal recessive limb-girdle muscular dystrophy. Last evaluated: 2025-01-08. Review status: reviewed by expert panel. Criteria: ClinGen LGMD VCEP ACMG Specifications DYSF V1.0.0. Collection method: curation. Allele origin: germline. Inheritance: Autosomal recessive inheritance.
Comment: The NM_003494.4: c.1369G>A variant in DYSF, which is also known as NM_001130987.2: c.1465G>A (p.Glu489Lys), is a missense variant predicted to cause substitution of glutamic acid by lysine at amino acid 457 (p.Glu457Lys). The filtering allele frequency of the variant is 0.02368 for European (non-Finnish) exome chromosomes in gnomAD v2.1.1 (the lower threshold of the 95% CI of 4291/251472), which is higher than the VCEP threshold of 0.003 (BA1). The SpliceAI score for this variant is 0.28 and the computational predictor REVEL gives a score of 0.41. Both of these scores are neither above nor below the thresholds predicting a damaging or benign impact (BP4/PP3 not met). In summary, this variant meets the criteria to be classified as Benign for autosomal recessive limb girdle muscular dystrophy based on the ACMG/AMP criteria applied, as specified by the ClinGen LGMD VCEP (LGMD VCEP specifications version 1.0.0; 01/08/2025): BA1.

CeGaT Center for Human Genetics Tuebingen
Classification: Benign. Last evaluated: 2026-10-01. Review status: criteria provided, single submitter. Criteria: CeGaT Center For Human Genetics Tuebingen Variant Classification Criteria Version 2. Collection method: clinical testing. Allele origin: germline. Affected: yes. Observed: 59 variant alleles. Not counted in ClinVar's aggregate classification.
Comment: DYSF: BS1, BS2

Labcorp Genetics (formerly Invitae), Labcorp
Classification: Benign for Neuromuscular disease caused by qualitative or quantitative defects of dysferlin. Last evaluated: 2026-02-04. Review status: criteria provided, single submitter. Criteria: Invitae Variant Classification Sherloc (09022015). Collection method: clinical testing. Allele origin: germline. Not counted in ClinVar's aggregate classification.

Blueprint Genetics
Classification: Likely benign. Last evaluated: 2024-11-26. Review status: criteria provided, single submitter. Criteria: ACMG Guidelines, 2015. Collection method: clinical testing. Allele origin: germline. Not counted in ClinVar's aggregate classification.

Women's Health and Genetics/Laboratory Corporation of America, LabCorp
Classification: Likely benign. Last evaluated: 2021-12-10. Review status: criteria provided, single submitter. Criteria: LabCorp Variant Classification Summary - May 2015. Collection method: clinical testing. Allele origin: germline. Not counted in ClinVar's aggregate classification.

Mayo Clinic Laboratories, Mayo Clinic
Classification: Benign. Last evaluated: 2021-07-26. Review status: criteria provided, single submitter. Criteria: ACMG Guidelines, 2015. Collection method: clinical testing. Allele origin: germline. Observed: 65 variant alleles. Not counted in ClinVar's aggregate classification.

GeneDx
Classification: Benign. Last evaluated: 2019-04-19. Review status: criteria provided, single submitter. Criteria: GeneDx Variant Classification Process June 2021. Collection method: clinical testing. Allele origin: germline. Affected: yes. Not counted in ClinVar's aggregate classification.
Comment: This variant is associated with the following publications: (PMID: 25312915, 22995991, 31862442, 20981092, 17698709, 27884173, 21522182, 25214167)

Athena Diagnostics
Classification: Benign. Last evaluated: 2017-10-12. Review status: criteria provided, single submitter. Criteria: Athena Diagnostics Criteria. Collection method: clinical testing. Allele origin: germline. Not counted in ClinVar's aggregate classification.

Eurofins Ntd Llc (ga)
Classification: Benign. Last evaluated: 2012-11-02. Review status: criteria provided, single submitter. Criteria: EGL Classification Definitions 2015. Collection method: clinical testing. Allele origin: germline. Observed: 5 variant alleles, 5 heterozygotes. Not counted in ClinVar's aggregate classification.

PreventionGenetics, part of Exact Sciences
Classification: Benign. Review status: criteria provided, single submitter. Criteria: ACMG Guidelines, 2015. Collection method: clinical testing. Allele origin: germline. Not counted in ClinVar's aggregate classification.

Natera, Inc.
Classification: Benign for Limb-girdle muscular dystrophy type 2B. Last evaluated: 2019-11-14. Review status: no assertion criteria provided. Collection method: clinical testing. Allele origin: germline. Not counted in ClinVar's aggregate classification.

Diagnostic Laboratory, Department of Genetics, University Medical Center Groningen
Classification: Benign. Review status: no assertion criteria provided. Collection method: clinical testing. Allele origin: germline. Affected: yes. Study: VKGL Data-share Consensus. Not counted in ClinVar's aggregate classification.

Genetic Services Laboratory, University of Chicago
Classification: Likely benign for AllHighlyPenetrant. Review status: no assertion criteria provided. Collection method: clinical testing. Allele origin: germline. Inheritance: Autosomal recessive inheritance. Not counted in ClinVar's aggregate classification.
Comment: Likely benign based on allele frequency in 1000 Genomes Project or ESP global frequency and its presence in a patient with a rare or unrelated disease phenotype. NOT Sanger confirmed.

Genome Diagnostics Laboratory, University Medical Center Utrecht
Classification: Benign. Review status: no assertion criteria provided. Collection method: clinical testing. Allele origin: germline. Affected: yes. Study: VKGL Data-share Consensus. Not counted in ClinVar's aggregate classification.

Laboratory of Diagnostic Genome Analysis, Leiden University Medical Center (LUMC)
Classification: Likely benign. Review status: no assertion criteria provided. Collection method: clinical testing. Allele origin: germline. Affected: yes. Study: VKGL Data-share Consensus. Not counted in ClinVar's aggregate classification.

Literature cited by the submitters: PubMed 17698709 (cited by Athena Diagnostics); PubMed 20981092 (cited by Athena Diagnostics); PubMed 22995991 (cited by Athena Diagnostics); PubMed 25312915 (cited by Athena Diagnostics).

NM_001130987.2(DYSF):c.1465G>A (p.Glu489Lys)

Gene: DYSF (dysferlin; plus strand). Cytogenetic location: 2p13.2.
Variant type: single nucleotide variant.
Coding change: c.1465G>A on transcript NM_001130987.2 (MANE Select); coding-DNA position 1465, G replaced by A.
Protein change: p.Glu489Lys; replaces glutamic acid 489 with lysine.
Molecular consequence: missense variant.
Genome position (GRCh38, 1-based): chr2:71,535,283, G>A. VCF-style: chr2-71535283-G-A. GRCh37 (hg19) VCF-style: chr2-71762413-G-A.
Other names: NM_001130987.2(DYSF):c.1465G>A; p.Glu489Lys; c.1372G>A, p.Glu458Lys (NM_001130455.2, NM_001130983.2, NM_001130984.2 and 1 more transcripts); c.1369G>A, p.Glu457Lys (NM_001130976.2, NM_001130977.2, NM_001130978.2 and 1 more transcripts); c.1462G>A, p.Glu488Lys (NM_001130979.2, NM_001130980.2, NM_001130981.2); c.1465G>A, p.Glu489Lys (NM_001130982.2, NM_001130985.2); short protein forms E457K, E489K, E488K, E458K.
Identifiers: ClinVar variation 94270 (VCV000094270.59), dbSNP rs61740288, ClinGen allele CA147721.